The following is an entry in ClinVar:

ClinVar aggregate classification (germline): Likely benign (1 of 4 stars; one submission).

Allele frequency attached by ClinVar (database versions not stated): 1000 Genomes Project 30x 0.00016; 1000 Genomes Project 0.00020; ESP Exome Variant Server 0.00115; gnomAD exomes 0.00117; ExAC 0.00119; gnomAD 0.00131; TOPMed 0.00134.
gnomAD v4.1: 1,990 of 1,614,104 alleles (0.12%); highest among the groups gnomAD compares: Admixed American, 0.075%; 18 homozygotes.

Submission:

CeGaT Center for Human Genetics Tuebingen
Classification: Likely benign. Last evaluated: 2022-05-01. Review status: criteria provided, single submitter. Criteria: CeGaT Center For Human Genetics Tuebingen Variant Classification Criteria Version 2. Collection method: clinical testing. Allele origin: germline. Affected: yes. Observed: 1 variant allele.
Comment: ADD2: BP4

NM_001617.4(ADD2):c.1627G>A (p.Glu543Lys)

Gene: ADD2 (adducin 2; minus strand). Cytogenetic location: 2p13.3.
Variant type: single nucleotide variant.
Coding change: c.1627G>A on transcript NM_001617.4 (MANE Select); coding-DNA position 1627, G replaced by A.
Protein change: p.Glu543Lys; replaces glutamic acid 543 with lysine.
Molecular consequence: missense variant.
Genome position (GRCh38, 1-based): chr2:70,674,792, C>T on the plus strand (G>A on the coding strand, the complement: ADD2 is on the minus strand). VCF-style: chr2-70674792-C-T. GRCh37 (hg19) VCF-style: chr2-70901924-C-T.
Other names: c.1627G>A, p.Glu543Lys (NM_001185054.2, NM_017488.4); short protein forms E543K.
Identifiers: ClinVar variation 2651015 (VCV002651015.24), dbSNP rs139586218, ClinGen allele CA1699022.
Genomic context (GRCh38, chr2:70,674,792, plus strand): 5'-GGTCAGTGAGTTGGCTGAAGGGGTTGGGCACCGTCTCCTCTGAATCGTCTTTGGTATCCT[C>T]GTCTCCCTTGGACATCAGCTGGCTCTCTGTAGACTGAAAGTTAACCACAGAGGGTGTGTC-3'
Protein context (NP_001608.1, residues 533-553): TESQLMSKGD[Glu543Lys]DTKDDSEETV